The following is an entry in ClinVar:

NM_000038.6(APC):c.1388dup (p.His464fs)

Gene: APC (APC regulator of Wnt signaling pathway; plus strand). Cytogenetic location: 5q22.2.
Variant type: Duplication.
Coding change: c.1388dup on transcript NM_000038.6 (MANE Select); coding-DNA position 1388, one base duplicated (G; older notation c.1388dupG).
Protein change: p.His464fs; shifts the reading frame from histidine 464.
Molecular consequence: frameshift variant. On other transcripts: non-coding transcript variant (2).
Genome position (GRCh38, 1-based): chr5:112,821,971, G duplicated. VCF-style (leftmost placement, unchanged base first): chr5-112821970-A-AG. GRCh37 (hg19) VCF-style: chr5-112157667-A-AG.
Other names: c.1388dup, p.His464fs (NM_001127510.3, NM_001354895.2, NM_001354896.2 and 4 more transcripts); c.1334dup, p.His446fs (NM_001127511.3); c.1418dup, p.His474fs (NM_001354897.2, NM_001407446.1); c.1313dup, p.His439fs (NM_001354898.2, NM_001407451.1); c.1304dup, p.His436fs (NM_001354899.2, NM_001407452.1); c.1211dup, p.His405fs (NM_001354900.2, NM_001354901.2, NM_001407453.1); c.1115dup, p.His373fs (NM_001354902.2); c.1085dup, p.His363fs (NM_001354903.2, NM_001407454.1, NM_001407455.1 and 5 more transcripts); and 5 more; short protein forms H181fs, H304fs, H335fs, H338fs, H363fs, H373fs, H405fs, H436fs.
Identifiers: ClinVar variation 2583943 (VCV002583943.1), dbSNP rs2533110909, ClinGen allele CA2582341306.

ClinVar aggregate classification (germline): Pathogenic (1 of 4 stars; one submission).

Conditions:
Familial adenomatous polyposis 1 (FAP1). Also called: FAMILIAL ADENOMATOUS POLYPOSIS 1, ATTENUATED; POLYPOSIS, ADENOMATOUS INTESTINAL. Identifiers: MedGen C2713442, MONDO:0021056, OMIM 175100. Disease mechanism: loss of function.

Submission:

Myriad Genetics, Inc.
Classification: Pathogenic for Familial adenomatous polyposis 1. Last evaluated: 2023-05-01. Review status: criteria provided, single submitter. Criteria: Myriad Autosomal Dominant, Autosomal Recessive and X-Linked Classification Criteria (2023). Collection method: clinical testing. Allele origin: unknown.
Comment: This variant is considered pathogenic. This variant creates a frameshift predicted to result in premature protein truncation.